The following is an entry in ClinVar:

ClinVar aggregate classification (germline): Uncertain significance (1 of 4 stars; one submission).

Conditions:
Cohen syndrome (COH1). Also called: PEPPER SYNDROME; Cutis verticis gyrata, retinitis pigmentosa, and sensorineural deafness. Identifiers: Orphanet 193, MedGen C0265223, MONDO:0008999, OMIM 216550.

Submission:

Labcorp Genetics (formerly Invitae), Labcorp
Classification: Uncertain significance for Cohen syndrome. Last evaluated: 2022-05-06. Review status: criteria provided, single submitter. Criteria: Invitae Variant Classification Sherloc (09022015). Collection method: clinical testing. Allele origin: germline.
Comment: This sequence change results in a frameshift in the VPS13B gene (p.Ala4016Serfs*12). While this is not anticipated to result in nonsense mediated decay, it is expected to disrupt the last 7 amino acid(s) of the VPS13B protein and extend the protein by 4 additional amino acid residues. This variant is present in population databases (rs763368183, gnomAD 0.0009%). This variant has not been reported in the literature in individuals affected with VPS13B-related conditions. Experimental studies and prediction algorithms are not available or were not evaluated, and the functional significance of this variant is currently unknown. In summary, the available evidence is currently insufficient to determine the role of this variant in disease. Therefore, it has been classified as a Variant of Uncertain Significance.

NM_152564.5(VPS13B):c.11970dup (p.Ala3991fs)

Gene: VPS13B (vacuolar protein sorting 13 homolog B; plus strand). Cytogenetic location: 8q22.2.
Variant type: Duplication.
Coding change: c.11970dup on transcript NM_152564.5 (MANE Select); coding-DNA position 11970, one base duplicated (A; older notation c.11970dupA).
Protein change: p.Ala3991fs; shifts the reading frame from alanine 3991.
Molecular consequence: frameshift variant.
Genome position (GRCh38, 1-based): chr8:99,875,642, A duplicated; the last of 3 consecutive A bases (chr8:99,875,640-99,875,642); duplicating any one gives the same sequence. VCF-style (leftmost placement, unchanged base first): chr8-99875639-T-TA. GRCh37 (hg19) VCF-style: chr8-100887867-T-TA.
Other names: c.12045dup, p.Ala4016fs (NM_017890.5); short protein forms A3991fs, A4016fs.
Identifiers: ClinVar variation 1905696 (VCV001905696.2), dbSNP rs763368183, ClinGen allele CA4825384.